The following is an entry in ClinVar:

ClinVar aggregate classification (germline): Uncertain significance. Review status: criteria provided, multiple submitters, no conflicts (2 of 4 stars). 2 submissions from 2 submitters: Uncertain significance (2). Last evaluated 2026-03-06.

Conditions:
Hereditary cancer-predisposing syndrome. Also called: Hereditary neoplastic syndrome; Neoplastic Syndromes, Hereditary; Hereditary Cancer Syndrome; Tumor predisposition. Identifiers: Orphanet 140162, MedGen C0027672, MeSH D009386, MONDO:0015356.
Pheochromocytoma. Also called: MAX-Related Hereditary Paraganglioma-Pheochromocytoma Syndrome. Identifiers: Orphanet 29072, MedGen C0031511, MONDO:0008233, OMIM 171300, HP:0002666.
Gastrointestinal stromal tumor. Also called: Gastrointestinal stromal tumor, somatic; Gastrointestinal stroma tumor. Identifiers: Orphanet 44890, MedGen C0238198, MeSH D046152, MONDO:0011719, OMIM 606764, HP:0100723.
Pheochromocytoma/paraganglioma syndrome 4. Also called: SDHB-Related Hereditary Paraganglioma-Pheochromocytoma Syndrome; PARAGANGLIOMA, FAMILIAL MALIGNANT; PARAGANGLIOMAS, HEREDITARY EXTRAADRENAL; PHEOCHROMOCYTOMA, FAMILIAL EXTRAADRENAL; Paragangliomas 4; CAROTID BODY TUMORS AND MULTIPLE EXTRAADRENAL PHEOCHROMOCYTOMAS. Identifiers: Orphanet 29072, MedGen C1861848, MONDO:0007273, OMIM 115310.

Allele frequency attached by ClinVar (database versions not stated): ExAC 0.00001; gnomAD 0.00001.

Submissions (2):

Ambry Genetics
Classification: Uncertain significance for Hereditary cancer-predisposing syndrome. Last evaluated: 2026-03-06. Review status: criteria provided, single submitter. Criteria: Ambry Variant Classification Scheme 2023. Collection method: clinical testing. Allele origin: germline.
Comment: The p.L7F variant (also known as c.19C>T), located in coding exon 1 of the SDHB gene, results from a C to T substitution at nucleotide position 19. The leucine at codon 7 is replaced by phenylalanine, an amino acid with highly similar properties. This variant was reported in individual(s) with features consistent with SDHB-related hereditary pheochromocytoma-paraganglioma (Ambry internal data). This amino acid position is poorly conserved in available vertebrate species. In addition, the in silico prediction for this alteration is inconclusive. Based on the available evidence, the clinical significance of this variant remains unclear.

Labcorp Genetics (formerly Invitae), Labcorp
Classification: Uncertain significance for Gastrointestinal stromal tumor; Pheochromocytoma/paraganglioma syndrome 4; Pheochromocytoma. Last evaluated: 2024-09-19. Review status: criteria provided, single submitter. Criteria: Invitae Variant Classification Sherloc (09022015). Collection method: clinical testing. Allele origin: germline.
Comment: This sequence change replaces leucine, which is neutral and non-polar, with phenylalanine, which is neutral and non-polar, at codon 7 of the SDHB protein (p.Leu7Phe). This variant is present in population databases (rs745664191, gnomAD 0.003%). This variant has not been reported in the literature in individuals affected with SDHB-related conditions. ClinVar contains an entry for this variant (Variation ID: 528730). Invitae Evidence Modeling of protein sequence and biophysical properties (such as structural, functional, and spatial information, amino acid conservation, physicochemical variation, residue mobility, and thermodynamic stability) indicates that this missense variant is not expected to disrupt SDHB protein function with a negative predictive value of 95%. In summary, the available evidence is currently insufficient to determine the role of this variant in disease. Therefore, it has been classified as a Variant of Uncertain Significance.

NM_003000.3(SDHB):c.19C>T (p.Leu7Phe)

Gene: SDHB (succinate dehydrogenase complex iron sulfur subunit B; minus strand). Cytogenetic location: 1p36.13.
Variant type: single nucleotide variant.
Coding change: c.19C>T on transcript NM_003000.3 (MANE Select); coding-DNA position 19, C replaced by T.
Protein change: p.Leu7Phe; replaces leucine 7 with phenylalanine.
Molecular consequence: missense variant.
Genome position (GRCh38, 1-based): chr1:17,054,001, G>A on the plus strand (C>T on the coding strand, the complement: SDHB is on the minus strand). VCF-style: chr1-17054001-G-A. GRCh37 (hg19) VCF-style: chr1-17380496-G-A.
Other names: short protein forms L7F.
Identifiers: ClinVar variation 528730 (VCV000528730.11), dbSNP rs745664191, ClinGen allele CA089527.